The following is an entry in ClinVar:

NM_007098.4(CLTCL1):c.3946A>G (p.Met1316Val)

Gene: CLTCL1 (clathrin heavy chain like 1; minus strand). Cytogenetic location: 22q11.21.
Variant type: single nucleotide variant.
Coding change: c.3946A>G on transcript NM_007098.4 (MANE Select); coding-DNA position 3946, A replaced by G.
Protein change: p.Met1316Val; replaces methionine 1316 with valine.
Molecular consequence: missense variant.
Genome position (GRCh38, 1-based): chr22:19,196,584, T>C on the plus strand (A>G on the coding strand, the complement: CLTCL1 is on the minus strand). VCF-style: chr22-19196584-T-C. GRCh37 (hg19) VCF-style: chr22-19184095-T-C.
Other names: p.Met1316Val; c.3946A>G, p.Met1316Val (NM_001835.4); short protein forms M1316V.
Identifiers: ClinVar variation 1288568 (VCV001288568.3), dbSNP rs1061325, ClinGen allele CA10097905.

ClinVar aggregate classification (germline): Benign. Review status: criteria provided, multiple submitters, no conflicts (2 of 4 stars). 3 submissions from 3 submitters: Benign (3). Last evaluated 2022-12-15.

Allele frequency attached by ClinVar (database versions not stated): gnomAD 0.42931 and 0.43464; gnomAD exomes 0.48505 and 0.49596; ExAC 0.48973; 1000 Genomes Project 30x 0.40116; TOPMed 0.41990; 1000 Genomes Project 0.40355; ESP Exome Variant Server 0.41905.

Submissions (3):

Mayo Clinic Laboratories, Mayo Clinic
Classification: Benign. Last evaluated: 2022-12-15. Review status: criteria provided, single submitter. Criteria: ACMG Guidelines, 2015. Collection method: clinical testing. Allele origin: germline. Observed: 658 variant alleles.

GeneDx
Classification: Benign. Last evaluated: 2020-02-17. Review status: criteria provided, single submitter. Criteria: GeneDx Variant Classification Process June 2021. Collection method: clinical testing. Allele origin: germline. Affected: yes.
Comment: This variant is associated with the following publications: (PMID: 31354784)

Breakthrough Genomics
Classification: Benign. Review status: criteria provided, single submitter. Criteria: ACMG Guidelines, 2015. Collection method: not provided. Allele origin: germline. Inheritance: Unknown mechanism. Affected: yes.